The following is an entry in ClinVar:

ClinVar aggregate classification (germline): Benign (1 of 4 stars; one submission).

Allele frequency attached by ClinVar (database versions not stated): TOPMed 0.02928; gnomAD 0.02369; 1000 Genomes Project 0.03554; 1000 Genomes Project 30x 0.03826.
gnomAD v4.1: 7,974 of 439,170 alleles (1.8%); highest among the groups gnomAD compares: African/African-American, 7.1%; 180 homozygotes.

Submission:

GeneDx
Classification: Benign. Last evaluated: 2018-06-14. Review status: criteria provided, single submitter. Criteria: GeneDx Variant Classification (06012015). Collection method: clinical testing. Allele origin: germline. Affected: yes.
Comment: This variant is considered likely benign or benign based on one or more of the following criteria: it is a conservative change, it occurs at a poorly conserved position in the protein, it is predicted to be benign by multiple in silico algorithms, and/or has population frequency not consistent with disease.

NM_001134407.3(GRIN2A):c.-18-345C>A

Gene: GRIN2A (glutamate ionotropic receptor NMDA type subunit 2A; minus strand). Cytogenetic location: 16p13.2.
Variant type: single nucleotide variant.
Coding change: c.-18-345C>A on transcript NM_001134407.3 (MANE Select); 345 bases into the intron before 18 bases upstream of the start codon, C replaced by A.
Molecular consequence: intron variant.
Genome position (GRCh38, 1-based): chr16:10,180,774, G>T on the plus strand (C>A on the coding strand, the complement: GRIN2A is on the minus strand). VCF-style: chr16-10180774-G-T. GRCh37 (hg19) VCF-style: chr16-10274631-G-T.
Other names: c.-18-345C>A (NM_001134408.2, NM_000833.5).
Identifiers: ClinVar variation 683412 (VCV000683412.1), dbSNP rs74006799, ClinGen allele CA277616529.